The following is an entry in ClinVar:

ClinVar aggregate classification (germline): Pathogenic. Review status: criteria provided, multiple submitters, no conflicts (2 of 4 stars). 5 submissions from 5 submitters: Pathogenic (4). 1 of the submissions does not count toward it. Last evaluated 2025-05-28.

Conditions:
Marfan syndrome (MFS). Also called: Marfan syndrome, classic; FBN1-Related Marfan Syndrome; Marfan syndrome type 1; Marfan's syndrome; MARFAN SYNDROME, TYPE I. Identifiers: Orphanet 284963, Orphanet 558, MedGen C0024796, MONDO:0007947, OMIM 154700.
Familial thoracic aortic aneurysm and aortic dissection (TAAD). Also called: Thoracic aortic aneurysms and dissections. Identifiers: Orphanet 91387, MedGen C4707243, MONDO:0019625.
FBN1-related disorder. Also called: FBN1-related disorders.

Submissions (5):

Labcorp Genetics (formerly Invitae), Labcorp
Classification: Pathogenic for Marfan syndrome; Familial thoracic aortic aneurysm and aortic dissection. Last evaluated: 2025-05-28. Review status: criteria provided, single submitter. Criteria: Invitae Variant Classification Sherloc (09022015). Collection method: clinical testing. Allele origin: germline.
Comment: This sequence change affects the initiator codon of the FBN1 mRNA. This change may impact translation initiation or efficiency. The next in-frame methionine is located at codon 99. This variant is not present in population databases (gnomAD no frequency). Disruption of the initiator codon has been observed in individuals with Marfan syndrome (PMID: 27906200; internal data). ClinVar contains an entry for this variant (Variation ID: 180349). For these reasons, this variant has been classified as Pathogenic.

GeneDx
Classification: Pathogenic. Last evaluated: 2023-11-28. Review status: criteria provided, single submitter. Criteria: GeneDx Variant Classification Process June 2021. Collection method: clinical testing. Allele origin: germline. Affected: yes.
Comment: Has not been previously published as pathogenic or benign to our knowledge; Not observed at significant frequency in large population cohorts (gnomAD); Initiation codon variant in a gene for which loss of function is a known mechanism of disease; This variant is associated with the following publications: (PMID: 27906200)

Ambry Genetics
Classification: Pathogenic for Familial thoracic aortic aneurysm and aortic dissection. Last evaluated: 2018-12-06. Review status: criteria provided, single submitter. Criteria: Ambry Variant Classification Scheme 2023. Collection method: clinical testing. Allele origin: germline.
Comment: The p.M1? pathogenic mutation (also known as c.1A>G), located in coding exon 1 of the FBN1 gene, results from an A to G substitution at nucleotide position 1. This alters the methionine residue at the initiation codon. This alteration has been previously identified in a patient reported to have Marfan syndrome (MFS) (Groth KA et al. Genet. Med., 2017 07;19:772-777). Multiple mutations in this codon (c.1A>T, c.2T>A, c.3G>A) have been reported in patients with clinical manifestations of MFS (Rybczynski M et al. Am. J. Med. Genet. A, 2008 Dec;146A:3157-66; Tan L et al. Hum. Mol. Genet., 2017 12;26:4814-4822; Takeda N et al. Circ Genom Precis Med, 2018 Jun;11:e002058). In addition to the clinical data presented in the literature, since sequence variations that modify the initiation codon (ATG) are expected to result in either loss of translation initiation, N-terminal truncation, or cause a shift in the mRNA reading frame, this alteration is interpreted as a disease-causing mutation.

Blueprint Genetics
Classification: Pathogenic for FBN1-related disorders. Last evaluated: 2018-06-13. Review status: criteria provided, single submitter. Criteria: ACMG Guidelines, 2015. Collection method: clinical testing. Allele origin: germline. Affected: yes. Observed: 1 variant allele.

Center for Medical Genetics Ghent, University of Ghent
Classification: Likely pathogenic for Marfan syndrome. Last evaluated: 2017-11-07. Review status: no assertion criteria provided. Collection method: clinical testing. Allele origin: germline. Affected: yes. Not counted in ClinVar's aggregate classification.

Literature cited by the submitters: PubMed 27906200 (cited by Labcorp Genetics (formerly Invitae), Labcorp and Ambry Genetics).

NM_000138.5(FBN1):c.1A>G (p.Met1Val)

Gene: FBN1 (fibrillin 1; minus strand). Cytogenetic location: 15q21.1.
Variant type: single nucleotide variant.
Coding change: c.1A>G on transcript NM_000138.5 (MANE Select); coding-DNA position 1, A replaced by G.
Protein change: p.Met1Val; changes the start codon (methionine 1).
Molecular consequence: missense variant, initiator codon variant.
Genome position (GRCh38, 1-based): chr15:48,644,769, T>C on the plus strand (A>G on the coding strand, the complement: FBN1 is on the minus strand). VCF-style: chr15-48644769-T-C. GRCh37 (hg19) VCF-style: chr15-48936966-T-C.
Other names: short protein forms M1V.
Identifiers: ClinVar variation 180349 (VCV000180349.10), dbSNP rs730880097, ClinGen allele CA012702.
Genomic context (GRCh38, chr15:48,644,769, plus strand): 5'-TGTAGGACGCTAAAAGCACGGTAAATCCCAGGGCGATCTCCAGCAGACGCCCTCGACGCA[T>C]GATGCCGAGCCGCCACCGGCTCCCGCCGCCTCTTGCCGCGCCCGGGGCTCGGTCTGCGGC-3'
Protein context (NP_000129.3, residues 1-11): [Met1Val]RRGRLLEIAL